The following is an entry in ClinVar:

ClinVar aggregate classification (germline): Uncertain significance. Review status: criteria provided, multiple submitters, no conflicts (2 of 4 stars). 2 submissions from 2 submitters: Uncertain significance (2). Last evaluated 2024-12-15.

Conditions:
Breast-ovarian cancer, familial, susceptibility to, 4. Identifiers: Orphanet 145, MedGen C3280345, MONDO:0013669, OMIM 614291.
Hereditary cancer-predisposing syndrome. Also called: Neoplastic Syndromes, Hereditary; Tumor predisposition; Hereditary Cancer Syndrome; Hereditary neoplastic syndrome. Identifiers: Orphanet 140162, MedGen C0027672, MeSH D009386, MONDO:0015356.

Submissions (2):

Labcorp Genetics (formerly Invitae), Labcorp
Classification: Uncertain significance for Breast-ovarian cancer, familial, susceptibility to, 4. Last evaluated: 2024-12-15. Review status: criteria provided, single submitter. Criteria: Invitae Variant Classification Sherloc (09022015). Collection method: clinical testing. Allele origin: germline.
Comment: This sequence change replaces proline, which is neutral and non-polar, with arginine, which is basic and polar, at codon 214 of the RAD51D protein (p.Pro214Arg). This variant is not present in population databases (gnomAD no frequency). This variant has not been reported in the literature in individuals affected with RAD51D-related conditions. Invitae Evidence Modeling of protein sequence and biophysical properties (such as structural, functional, and spatial information, amino acid conservation, physicochemical variation, residue mobility, and thermodynamic stability) has been performed for this missense variant. However, the output from this modeling did not meet the statistical confidence thresholds required to predict the impact of this variant on RAD51D protein function. In summary, the available evidence is currently insufficient to determine the role of this variant in disease. Therefore, it has been classified as a Variant of Uncertain Significance.

Ambry Genetics
Classification: Uncertain significance for Hereditary cancer-predisposing syndrome. Last evaluated: 2024-11-17. Review status: criteria provided, single submitter. Criteria: Ambry Variant Classification Scheme 2023. Collection method: clinical testing. Allele origin: germline.
Comment: The p.P214R variant (also known as c.641C>G), located in coding exon 7 of the RAD51D gene, results from a C to G substitution at nucleotide position 641. The proline at codon 214 is replaced by arginine, an amino acid with dissimilar properties. This amino acid position is conserved. In addition, this alteration is predicted to be deleterious by in silico analysis. Based on the available evidence, the clinical significance of this variant remains unclear.

NM_002878.4(RAD51D):c.641C>G (p.Pro214Arg)

Genes: RAD51D (RAD51 paralog D; minus strand), RAD51L3-RFFL (RAD51L3-RFFL readthrough; minus strand). Cytogenetic location: 17q12.
Variant type: single nucleotide variant.
Coding change: c.641C>G on transcript NM_002878.4 (MANE Select); coding-DNA position 641, C replaced by G.
Protein change: p.Pro214Arg; replaces proline 214 with arginine.
Molecular consequence: missense variant. On other transcripts: non-coding transcript variant (3).
Genome position (GRCh38, 1-based): chr17:35,103,480, G>C on the plus strand (C>G on the coding strand, the complement: RAD51D is on the minus strand). VCF-style: chr17-35103480-G-C. GRCh37 (hg19) VCF-style: chr17-33430499-G-C.
Other names: c.701C>G, p.Pro234Arg (NM_001142571.2); c.305C>G, p.Pro102Arg (NM_133629.3); short protein forms P102R, P214R, P234R.
Identifiers: ClinVar variation 3429752 (VCV003429752.3).